The following is an entry in ClinVar:

NM_000038.6(APC):c.4159T>C (p.Cys1387Arg)

Gene: APC (APC regulator of Wnt signaling pathway; plus strand). Cytogenetic location: 5q22.2.
Variant type: single nucleotide variant.
Coding change: c.4159T>C on transcript NM_000038.6 (MANE Select); coding-DNA position 4159, T replaced by C.
Protein change: p.Cys1387Arg; replaces cysteine 1387 with arginine.
Molecular consequence: missense variant.
Genome position (GRCh38, 1-based): chr5:112,839,753, T>C. VCF-style: chr5-112839753-T-C. GRCh37 (hg19) VCF-style: chr5-112175450-T-C.
Other names: c.4159T>C, p.Cys1387Arg (NM_001127510.3, NM_001354895.2); c.4105T>C, p.Cys1369Arg (NM_001127511.3); c.4213T>C, p.Cys1405Arg (NM_001354896.2); c.4189T>C, p.Cys1397Arg (NM_001354897.2); c.4084T>C, p.Cys1362Arg (NM_001354898.2); c.4075T>C, p.Cys1359Arg (NM_001354899.2); c.4036T>C, p.Cys1346Arg (NM_001354900.2); c.3982T>C, p.Cys1328Arg (NM_001354901.2); and 5 more; short protein forms C1397R, C1369R, C1387R, C1405R, C1104R, C1227R, C1286R, C1296R.
Identifiers: ClinVar variation 834907 (VCV000834907.15), dbSNP rs1765617574, ClinGen allele CA16030445.
Genomic context (GRCh38, chr5:112,839,753, plus strand): 5'-CAGACACCCAAAAGTCCACCTGAACACTATGTTCAGGAGACCCCACTCATGTTTAGCAGA[T>C]GTACTTCTGTCAGTTCACTTGATAGTTTTGAGAGTCGTTCGATTGCCAGCTCCGTTCAGA-3'
Protein context (NP_000029.2, residues 1377-1397): VQETPLMFSR[Cys1387Arg]TSVSSLDSFE

ClinVar aggregate classification (germline): Uncertain significance. Review status: criteria provided, multiple submitters, no conflicts (2 of 4 stars). 2 submissions from 2 submitters: Uncertain significance (2). Last evaluated 2023-12-04.

Conditions:
Hereditary cancer-predisposing syndrome. Also called: Hereditary neoplastic syndrome; Neoplastic Syndromes, Hereditary; Tumor predisposition; Hereditary Cancer Syndrome. Identifiers: Orphanet 140162, MedGen C0027672, MeSH D009386, MONDO:0015356.
Familial adenomatous polyposis 1 (FAP1). Also called: POLYPOSIS, ADENOMATOUS INTESTINAL; FAMILIAL ADENOMATOUS POLYPOSIS 1, ATTENUATED. Identifiers: MedGen C2713442, MONDO:0021056, OMIM 175100. Disease mechanism: loss of function.

Submissions (2):

Color Diagnostics, LLC DBA Color Health
Classification: Uncertain significance for Hereditary cancer-predisposing syndrome. Last evaluated: 2023-12-04. Review status: criteria provided, single submitter. Criteria: ACMG Guidelines, 2015. Collection method: clinical testing. Allele origin: germline.
Comment: This missense variant replaces cysteine with arginine at codon 1387 of the APC protein. Computational prediction is inconclusive regarding the impact of this variant on protein structure and function (internally defined REVEL score threshold 0.5 < inconclusive < 0.7, PMID: 27666373). To our knowledge, functional studies have not been reported for this variant. This variant has not been reported in individuals affected with APC-related disorders in the literature. This variant has not been identified in the general population by the Genome Aggregation Database (gnomAD). The available evidence is insufficient to determine the role of this variant in disease conclusively. Therefore, this variant is classified as a Variant of Uncertain Significance.

Labcorp Genetics (formerly Invitae), Labcorp
Classification: Uncertain significance for Familial adenomatous polyposis 1. Last evaluated: 2019-02-07. Review status: criteria provided, single submitter. Criteria: Invitae Variant Classification Sherloc (09022015). Collection method: clinical testing. Allele origin: germline.
Comment: Algorithms developed to predict the effect of missense changes on protein structure and function are either unavailable or do not agree on the potential impact of this missense change (SIFT: "Tolerated"; PolyPhen-2: "Probably Damaging"; Align-GVGD: "Class C0"). In summary, the available evidence is currently insufficient to determine the role of this variant in disease. Therefore, it has been classified as a Variant of Uncertain Significance. This variant has not been reported in the literature in individuals with APC-related conditions. This variant is not present in population databases (ExAC no frequency). This sequence change replaces cysteine with arginine at codon 1387 of the APC protein (p.Cys1387Arg). The cysteine residue is highly conserved and there is a large physicochemical difference between cysteine and arginine.